The following is an entry in ClinVar:

ClinVar aggregate classification (germline): Uncertain significance (1 of 4 stars; one submission).

Conditions:
Cardiovascular phenotype. Identifiers: MedGen CN230736.

Submission:

Ambry Genetics
Classification: Uncertain significance for Cardiovascular phenotype. Last evaluated: 2025-05-10. Review status: criteria provided, single submitter. Criteria: Ambry Variant Classification Scheme 2023. Collection method: clinical testing. Allele origin: germline.
Comment: The p.D312N variant (also known as c.934G>A), located in coding exon 10 of the ANK2 gene, results from a G to A substitution at nucleotide position 934. The aspartic acid at codon 312 is replaced by asparagine, an amino acid with highly similar properties. This amino acid position is conserved. In addition, this alteration is predicted to be tolerated by in silico analysis. Based on the available evidence, the clinical significance of this variant remains unclear.

NM_001148.6(ANK2):c.934G>A (p.Asp312Asn)

Gene: ANK2 (ankyrin 2; plus strand). Cytogenetic location: 4q26.
Variant type: single nucleotide variant.
Coding change: c.934G>A on transcript NM_001148.6 (MANE Select); coding-DNA position 934, G replaced by A.
Protein change: p.Asp312Asn; replaces aspartic acid 312 with asparagine.
Molecular consequence: missense variant.
Genome position (GRCh38, 1-based): chr4:113,249,806, G>A. VCF-style: chr4-113249806-G-A. GRCh37 (hg19) VCF-style: chr4-114170962-G-A.
Other names: c.871G>A, p.Asp291Asn (NM_001127493.3, NM_001354239.2, NM_001354243.2 and 14 more transcripts); c.934G>A, p.Asp312Asn (NM_001354225.2, NM_001354228.2, NM_001354232.2 and 9 more transcripts); c.979G>A, p.Asp327Asn (NM_001354230.2, NM_001354231.2, NM_001354237.2 and 5 more transcripts); c.847G>A, p.Asp283Asn (NM_001354249.2, NM_001354260.2, NM_001354264.2 and 16 more transcripts); c.892G>A, p.Asp298Asn (NM_001354261.2, NM_001386147.1, NM_001386160.1); c.922G>A, p.Asp308Asn (NM_001354269.3, NM_001386148.2, NM_001386186.2); c.985G>A, p.Asp329Asn (NM_001386174.1); c.961G>A, p.Asp321Asn (NM_001386175.1); and 1 more; short protein forms D300N, D312N, D291N, D298N, D283N, D308N, D321N, D327N.
Identifiers: ClinVar variation 4051142 (VCV004051142.1).